The following is an entry in ClinVar:

ClinVar aggregate classification (germline): Uncertain significance (1 of 4 stars; one submission).

Conditions:
Hereditary cancer-predisposing syndrome. Also called: Neoplastic Syndromes, Hereditary; Tumor predisposition; Hereditary Cancer Syndrome; Hereditary neoplastic syndrome. Identifiers: Orphanet 140162, MedGen C0027672, MeSH D009386, MONDO:0015356.

Submission:

Ambry Genetics
Classification: Uncertain significance for Hereditary cancer-predisposing syndrome. Last evaluated: 2024-09-26. Review status: criteria provided, single submitter. Criteria: Ambry Variant Classification Scheme 2023. Collection method: clinical testing. Allele origin: germline.
Comment: The p.C139R variant (also known as c.415T>C), located in coding exon 3 of the POLD1 gene, results from a T to C substitution at nucleotide position 415. The cysteine at codon 139 is replaced by arginine, an amino acid with highly dissimilar properties. This amino acid position is conserved. In addition, the in silico prediction for this alteration is inconclusive. Based on the available evidence, the clinical significance of this variant remains unclear.

NM_002691.4(POLD1):c.415T>C (p.Cys139Arg)

Gene: POLD1 (DNA polymerase delta 1, catalytic subunit; plus strand). Cytogenetic location: 19q13.33.
Variant type: single nucleotide variant.
Coding change: c.415T>C on transcript NM_002691.4 (MANE Select); coding-DNA position 415, T replaced by C.
Protein change: p.Cys139Arg; replaces cysteine 139 with arginine.
Molecular consequence: missense variant. On other transcripts: non-coding transcript variant (1).
Genome position (GRCh38, 1-based): chr19:50,401,876, T>C. VCF-style: chr19-50401876-T-C. GRCh37 (hg19) VCF-style: chr19-50905133-T-C.
Other names: c.415T>C, p.Cys139Arg (NM_001256849.1, NM_001308632.1); short protein forms C139R.
Identifiers: ClinVar variation 3421991 (VCV003421991.1).